The following is an entry in ClinVar:

NM_022367.4(SEMA4A):c.1660_1665del (p.Arg554_Ser555del)

Gene: SEMA4A (semaphorin 4A; plus strand). Cytogenetic location: 1q22.
Variant type: Deletion.
Coding change: c.1660_1665del on transcript NM_022367.4 (MANE Select); coding-DNA positions 1660 to 1665, 6 bases deleted (AGGAGC; older notation c.1660_1665delAGGAGC).
Protein change: p.Arg554_Ser555del.
Molecular consequence: inframe deletion.
Genome position (GRCh38, 1-based): chr1:156,175,623-156,175,628, AGGAGC deleted; deleting any 6 consecutive bases within chr1:156,175,619-156,175,628 gives the same sequence; the c. name uses the placement nearest the transcript's 3' end. VCF-style (leftmost placement, unchanged base first): chr1-156175618-TGAGCAG-T. GRCh37 (hg19) VCF-style: chr1-156145409-TGAGCAG-T.
Other names: c.1660_1665del, p.Arg554_Ser555del (NM_001193300.2, NM_001193301.2, NM_001370567.1); c.1264_1269del, p.Arg422_Ser423del (NM_001193302.2); c.1363_1368del, p.Arg455_Ser456del (NM_001370568.1); c.1153_1158del, p.Arg385_Ser386del (NM_001370569.1, NM_001370571.1).
Identifiers: ClinVar variation 1005206 (VCV001005206.9), dbSNP rs767750289, ClinGen allele CA1155426.

ClinVar aggregate classification (germline): Uncertain significance. Review status: criteria provided, multiple submitters, no conflicts (2 of 4 stars). 2 submissions from 2 submitters: Uncertain significance (2). Last evaluated 2022-11-25.

Submissions (2):

Blueprint Genetics
Classification: Uncertain significance. Last evaluated: 2022-11-25. Review status: criteria provided, single submitter. Criteria: ACMG Guidelines, 2015. Collection method: clinical testing. Allele origin: germline.

Labcorp Genetics (formerly Invitae), Labcorp
Classification: Uncertain significance. Last evaluated: 2020-09-11. Review status: criteria provided, single submitter. Criteria: Invitae Variant Classification Sherloc (09022015). Collection method: clinical testing. Allele origin: germline.
Comment: Experimental studies and prediction algorithms are not available or were not evaluated, and the functional significance of this variant is currently unknown. In summary, the available evidence is currently insufficient to determine the role of this variant in disease. Therefore, it has been classified as a Variant of Uncertain Significance. This variant has not been reported in the literature in individuals with SEMA4A-related conditions. This variant is present in population databases (rs767750289, ExAC 0.006%). This variant, c.1660_1665del, results in the deletion of 2 amino acid(s) of the SEMA4A protein (p.Arg554_Ser555del), but otherwise preserves the integrity of the reading frame.